The following is an entry in ClinVar:

ClinVar aggregate classification (germline): Uncertain significance (1 of 4 stars; one submission).

Allele frequency attached by ClinVar (database versions not stated): ExAC 0.00001; gnomAD exomes 0.00001; ESP Exome Variant Server 0.00008.
gnomAD v4.1: 9 of 1,607,314 alleles (0.00056%); highest among the groups gnomAD compares: Non-Finnish European, 0.00077%; no homozygotes.

Submission:

Labcorp Genetics (formerly Invitae), Labcorp
Classification: Uncertain significance. Last evaluated: 2022-05-03. Review status: criteria provided, single submitter. Criteria: Invitae Variant Classification Sherloc (09022015). Collection method: clinical testing. Allele origin: germline.
Comment: This sequence change replaces proline, which is neutral and non-polar, with serine, which is neutral and polar, at codon 384 of the CEP78 protein (p.Pro384Ser). This variant is present in population databases (rs372591013, gnomAD 0.002%). This variant has not been reported in the literature in individuals affected with CEP78-related conditions. Algorithms developed to predict the effect of missense changes on protein structure and function are either unavailable or do not agree on the potential impact of this missense change (SIFT: "Tolerated"; PolyPhen-2: "Probably Damaging"; Align-GVGD: "Class C0"). In summary, the available evidence is currently insufficient to determine the role of this variant in disease. Therefore, it has been classified as a Variant of Uncertain Significance.

NM_001330691.3(CEP78):c.1147C>T (p.Pro383Ser)

Gene: CEP78 (centrosomal protein 78; plus strand). Cytogenetic location: 9q21.2.
Variant type: single nucleotide variant.
Coding change: c.1147C>T on transcript NM_001330691.3 (MANE Select); coding-DNA position 1147, C replaced by T.
Protein change: p.Pro383Ser; replaces proline 383 with serine.
Molecular consequence: missense variant.
Genome position (GRCh38, 1-based): chr9:78,251,985, C>T. VCF-style: chr9-78251985-C-T. GRCh37 (hg19) VCF-style: chr9-80866901-C-T.
Other names: c.1150C>T, p.Pro384Ser (NM_001098802.3, NM_001349839.2, NM_001349840.2 and 1 more transcripts); c.1147C>T, p.Pro383Ser (NM_001330693.3, NM_001330694.2, NM_001349838.2); short protein forms P383S, P384S.
Identifiers: ClinVar variation 1975221 (VCV001975221.2), dbSNP rs372591013, ClinGen allele CA5095154.